The following is an entry in ClinVar:

ClinVar aggregate classification (germline): Benign/Likely benign. Review status: criteria provided, multiple submitters, no conflicts (2 of 4 stars). 5 submissions from 5 submitters: Benign (2); Likely benign (2). 1 of the submissions does not count toward it. Last evaluated 2025-06-12.

Conditions:
Inborn genetic diseases. Identifiers: MedGen C0950123, MeSH D030342.
TCOF1-related disorder. Also called: TCOF1-related condition.
Treacher Collins syndrome 1 (TCS1). Also called: TCOF1-Related Treacher Collins Syndrome. Identifiers: Orphanet 861, MedGen CN315775, MONDO:0007944, OMIM 154500.

Allele frequency attached by ClinVar (database versions not stated): ExAC 0.00018; 1000 Genomes Project 0.00040; 1000 Genomes Project 30x 0.00047; gnomAD 0.00048 and 0.00051; TOPMed 0.00060; ESP Exome Variant Server 0.00062.

Submissions (5):

Labcorp Genetics (formerly Invitae), Labcorp
Classification: Likely benign for Treacher Collins syndrome 1. Last evaluated: 2025-06-12. Review status: criteria provided, single submitter. Criteria: Invitae Variant Classification Sherloc (09022015). Collection method: clinical testing. Allele origin: germline.

Blueprint Genetics
Classification: Benign. Last evaluated: 2024-06-14. Review status: criteria provided, single submitter. Criteria: ACMG Guidelines, 2015. Collection method: clinical testing. Allele origin: germline.

Ambry Genetics
Classification: Likely benign for Inborn genetic diseases. Last evaluated: 2022-06-24. Review status: criteria provided, single submitter. Criteria: Ambry Variant Classification Scheme 2023. Collection method: clinical testing. Allele origin: germline.

GeneDx
Classification: Benign. Last evaluated: 2020-05-26. Review status: criteria provided, single submitter. Criteria: GeneDx Variant Classification Process June 2021. Collection method: clinical testing. Allele origin: germline. Affected: yes.

PreventionGenetics, part of Exact Sciences
Classification: Likely benign for TCOF1-related condition. Last evaluated: 2022-01-22. Review status: no assertion criteria provided. Collection method: clinical testing. Allele origin: germline. Not counted in ClinVar's aggregate classification.
Comment: This variant is classified as likely benign based on ACMG/AMP sequence variant interpretation guidelines (Richards et al. 2015 PMID: 25741868, with internal and published modifications).

NM_001371623.1(TCOF1):c.1390G>A (p.Ala464Thr)

Gene: TCOF1 (treacle ribosome biogenesis factor 1; plus strand). Cytogenetic location: 5q32.
Variant type: single nucleotide variant.
Coding change: c.1390G>A on transcript NM_001371623.1 (MANE Select); coding-DNA position 1390, G replaced by A.
Protein change: p.Ala464Thr; replaces alanine 464 with threonine.
Molecular consequence: missense variant.
Genome position (GRCh38, 1-based): chr5:150,375,065, G>A. VCF-style: chr5-150375065-G-A. GRCh37 (hg19) VCF-style: chr5-149754628-G-A.
Other names: c.1159G>A, p.Ala387Thr (NM_000356.4, NM_001135245.2); c.1390G>A, p.Ala464Thr (NM_001008657.3, NM_001135243.2, NM_001135244.2 and 1 more transcripts); short protein forms A464T, A387T.
Identifiers: ClinVar variation 779715 (VCV000779715.16), dbSNP rs150956690, ClinGen allele CA3510852.